The following is an entry in ClinVar:

ClinVar aggregate classification (germline): Likely pathogenic. Review status: criteria provided, multiple submitters, no conflicts (2 of 4 stars). 3 submissions from 3 submitters: Likely pathogenic (2). 1 of the submissions does not count toward it. Last evaluated 2026-04-22.

Conditions:
Inborn genetic diseases. Identifiers: MedGen C0950123, MeSH D030342.
Neurodegeneration with brain iron accumulation 4 (NBIA4). Also called: MITOCHONDRIAL PROTEIN-ASSOCIATED NEURODEGENERATION. Identifiers: Orphanet 289560, MedGen C3280371, MONDO:0013674, OMIM 614298. Disease mechanism: loss of function.

Submissions (3):

Ambry Genetics
Classification: Likely pathogenic for Inborn genetic diseases. Last evaluated: 2026-04-22. Review status: criteria provided, single submitter. Criteria: Ambry Variant Classification Scheme 2023. Collection method: clinical testing. Allele origin: germline.
Comment: The c.336G>A (p.W112*) alteration, located in coding exon 3 of the C19orf12 gene, consists of a G to A substitution at nucleotide position 336. This changes the amino acid from a tryptophan (W) to a stop codon at amino acid position 112. This variant is not expected to trigger nonsense-mediated mRNA decay and impacts the last 27% of the protein. for autosomal dominant C19orf12-related mitochondrial membrane protein-associated neurodegeneration. This variant was not reported in population-based cohorts in the Genome Aggregation Database (gnomAD). Another variant (c.335G>A) resulting in the same protein change has been identified in individuals with features consistent with autosomal dominant C19orf12-related mitochondrial membrane protein-associated neurodegeneration (Balicza, 2020). This variant is located in a region of the protein where truncating variants have been reported as disease-causing for autosomal dominant C19orf12-related mitochondrial membrane protein-associated neurodegeneration. Based on the available evidence, this alteration is classified as likely pathogenic.

Genetic Services Laboratory, University of Chicago
Classification: Likely pathogenic for Neurodegeneration with brain iron accumulation 4. Last evaluated: 2017-05-16. Review status: criteria provided, single submitter. Criteria: ACMG Guidelines, 2015. Collection method: clinical testing. Allele origin: germline. Affected: yes.

OMIM
Classification: Pathogenic for NEURODEGENERATION WITH BRAIN IRON ACCUMULATION 4, AUTOSOMAL DOMINANT. Last evaluated: 2019-07-19. Review status: no assertion criteria provided. Collection method: literature only. Allele origin: germline. Not counted in ClinVar's aggregate classification.

Literature cited by the submitters: PubMed 33134513 (cited by Ambry Genetics); PubMed 31087512 (cited by OMIM).

NM_031448.6(C19orf12):c.303G>A (p.Trp101Ter)

Gene: C19orf12 (chromosome 19 open reading frame 12; minus strand). Cytogenetic location: 19q12.
Variant type: single nucleotide variant.
Coding change: c.303G>A on transcript NM_031448.6 (MANE Select); coding-DNA position 303, G replaced by A.
Protein change: p.Trp101Ter; replaces tryptophan 101 with a stop codon.
Molecular consequence: nonsense. On other transcripts: intron variant (1).
Genome position (GRCh38, 1-based): chr19:29,702,835, C>T on the plus strand (G>A on the coding strand, the complement: C19orf12 is on the minus strand). VCF-style: chr19-29702835-C-T. GRCh37 (hg19) VCF-style: chr19-30193742-C-T.
Other names: C19ORF12, TRP112TER; c.303G>A, p.Trp101Ter (NM_001031726.4, NM_001256047.2); c.111G>A, p.Trp37Ter (NM_001282929.1, NM_001282930.3, NM_001282931.3); c.290+13G>A (NM_001256046.3); short protein forms W101*, W112*, W37*.
Identifiers: ClinVar variation 434549 (VCV000434549.9), dbSNP rs1555714808, ClinGen allele CA405142838.